The following is an entry in ClinVar:

NM_000270.3(PNP):c.*839T>C

Gene: PNP (purine nucleoside phosphorylase; plus strand). Cytogenetic location: 14q11.2.
Variant type: single nucleotide variant.
Coding change: c.*839T>C on transcript NM_000270.3; 839 bases downstream of the stop codon, T replaced by C.
Genome position (GRCh38, 1-based): chr14:20,477,440, T>C. VCF-style: chr14-20477440-T-C. GRCh37 (hg19) VCF-style: chr14-20945599-T-C.
Identifiers: ClinVar variation 883613 (VCV000883613.6), dbSNP rs143492306, ClinGen allele CA257419110.

ClinVar aggregate classification (germline): Likely benign (1 of 4 stars; one submission).

Conditions:
Purine-nucleoside phosphorylase deficiency. Also called: NUCLEOSIDE PHOSPHORYLASE DEFICIENCY; Immunodeficiency due to purine nucleoside phosphorylase deficiency. Identifiers: Orphanet 760, MedGen C0268125, MONDO:0013171, OMIM 613179.

Allele frequency attached by ClinVar (database versions not stated): gnomAD 0.00107 and 0.00101; 1000 Genomes Project 0.00180; 1000 Genomes Project 30x 0.00234; TOPMed 0.00108.

Submission:

Illumina Laboratory Services, Illumina
Classification: Likely benign for Purine-nucleoside phosphorylase deficiency. Last evaluated: 2018-01-13. Review status: criteria provided, single submitter. Criteria: ICSL Variant Classification Criteria 13 December 2019. Collection method: clinical testing. Allele origin: germline.
Comment: This variant was observed in the ICSL laboratory as part of a predisposition screen in an ostensibly healthy population. It had not been previously curated by ICSL or reported in the Human Gene Mutation Database (HGMD: prior to June 1st, 2018), and was therefore a candidate for classification through an automated scoring system. Utilizing variant allele frequency, disease prevalence and penetrance estimates, and inheritance mode, an automated score was calculated to assess if this variant is too frequent to cause the disease. Based on the score and internal cut-off values, a variant classified as likely benign is not then subjected to further curation. The score for this variant resulted in a classification of likely benign for this disease.